The following is an entry in ClinVar:

NM_001130823.3(DNMT1):c.873C>T (p.Asp291=)

Gene: DNMT1 (DNA methyltransferase 1; minus strand). Cytogenetic location: 19p13.2.
Variant type: single nucleotide variant.
Coding change: c.873C>T on transcript NM_001130823.3 (MANE Select); coding-DNA position 873, C replaced by T.
Protein change: p.Asp291=; no amino-acid change (aspartic acid 291 retained).
Molecular consequence: synonymous variant.
Genome position (GRCh38, 1-based): chr19:10,166,616, G>A on the plus strand (C>T on the coding strand, the complement: DNMT1 is on the minus strand). VCF-style: chr19-10166616-G-A. GRCh37 (hg19) VCF-style: chr19-10277292-G-A.
Other names: c.873C>T (NM_001130823.2); c.825C>T, p.Asp275= (NM_001318730.2, NM_001379.4); c.510C>T, p.Asp170= (NM_001318731.2).
Identifiers: ClinVar variation 1093130 (VCV001093130.10), dbSNP rs762073261, ClinGen allele CA9188555.

ClinVar aggregate classification (germline): Likely benign. Review status: criteria provided, multiple submitters, no conflicts (2 of 4 stars). 2 submissions from 2 submitters: Likely benign (2). Last evaluated 2026-08-03.

Conditions:
Hereditary sensory neuropathy-deafness-dementia syndrome. Also called: HSN IE; Hereditary Sensory and Autonomic Neuropathy Type 1E (HSAN1E); Hereditary sensory neuropathy type IE; NEUROPATHY, HEREDITARY SENSORY, WITH HEARING LOSS AND DEMENTIA. Identifiers: Orphanet 456318, MedGen C3279885, MONDO:0013584, OMIM 614116.
DNMT1-related disorder. Also called: DNMT1-related condition. Identifiers: MedGen CN381527.

Allele frequency attached by ClinVar (database versions not stated): gnomAD 0.00001; gnomAD exomes 0.00001 and 0.00002; TOPMed 0.00001; ExAC 0.00002.
gnomAD v4.1: 24 of 1,614,000 alleles (0.0015%); highest among the groups gnomAD compares: East Asian, 0.016%; no homozygotes.

Submissions (2):

PreventionGenetics, part of Exact Sciences
Classification: Likely benign for DNMT1-related condition. Last evaluated: 2026-08-03. Review status: criteria provided, single submitter. Criteria: ACMG Guidelines, 2015. Collection method: clinical testing. Allele origin: germline.
Comment: This variant is classified as likely benign based on ACMG/AMP sequence variant interpretation guidelines (Richards et al. 2015 PMID: 25741868, with internal and published modifications).

Labcorp Genetics (formerly Invitae), Labcorp
Classification: Likely benign for Hereditary sensory neuropathy-deafness-dementia syndrome. Last evaluated: 2025-07-21. Review status: criteria provided, single submitter. Criteria: Invitae Variant Classification Sherloc (09022015). Collection method: clinical testing. Allele origin: germline.